The following is an entry in ClinVar:

ClinVar aggregate classification (germline): Uncertain significance. Review status: criteria provided, multiple submitters, no conflicts (2 of 4 stars). 2 submissions from 2 submitters: Uncertain significance (2). Last evaluated 2021-07-01.

Conditions:
Charcot-Marie-Tooth disease type 2. Also called: Charcot-Marie-Tooth type 2. Identifiers: Orphanet 64746, MedGen C0270914, MONDO:0018993.

Allele frequency attached by ClinVar (database versions not stated): gnomAD exomes below 0.00001.
gnomAD v4.1: 2 of 1,614,158 alleles (0.00012%); highest among the groups gnomAD compares: Non-Finnish European, 0.00017%; no homozygotes.

Submissions (2):

CeGaT Center for Human Genetics Tuebingen
Classification: Uncertain significance. Last evaluated: 2021-07-01. Review status: criteria provided, single submitter. Criteria: CeGaT Center For Human Genetics Tuebingen Variant Classification Criteria Version 2. Collection method: clinical testing. Allele origin: germline. Affected: yes. Observed: 1 variant allele.

Labcorp Genetics (formerly Invitae), Labcorp
Classification: Uncertain significance for Charcot-Marie-Tooth disease type 2. Last evaluated: 2020-07-07. Review status: criteria provided, single submitter. Criteria: Invitae Variant Classification Sherloc (09022015). Collection method: clinical testing. Allele origin: germline.
Comment: This variant has not been reported in the literature in individuals with GARS-related conditions. This sequence change replaces phenylalanine with valine at codon 409 of the GARS protein (p.Phe409Val). The phenylalanine residue is highly conserved and there is a small physicochemical difference between phenylalanine and valine. This variant is not present in population databases (ExAC no frequency). Algorithms developed to predict the effect of missense changes on protein structure and function are either unavailable or do not agree on the potential impact of this missense change (SIFT: "Deleterious"; PolyPhen-2: "Probably Damaging"; Align-GVGD: "Class C15"). In summary, the available evidence is currently insufficient to determine the role of this variant in disease. Therefore, it has been classified as a Variant of Uncertain Significance.

NM_002047.4(GARS1):c.1225T>G (p.Phe409Val)

Gene: GARS1 (glycyl-tRNA synthetase 1; plus strand). Cytogenetic location: 7p14.3.
Variant type: single nucleotide variant.
Coding change: c.1225T>G on transcript NM_002047.4 (MANE Select); coding-DNA position 1225, T replaced by G.
Protein change: p.Phe409Val; replaces phenylalanine 409 with valine.
Molecular consequence: missense variant.
Genome position (GRCh38, 1-based): chr7:30,617,144, T>G. VCF-style: chr7-30617144-T-G. GRCh37 (hg19) VCF-style: chr7-30656760-T-G.
Other names: c.1063T>G, p.Phe355Val (NM_001316772.1); short protein forms F355V, F409V.
Identifiers: ClinVar variation 1004741 (VCV001004741.42), dbSNP rs1782904125, ClinGen allele CA367126943.